The following is an entry in ClinVar:

NM_000170.3(GLDC):c.2629G>T (p.Glu877Ter)

Gene: GLDC (glycine decarboxylase; minus strand). Cytogenetic location: 9p24.1.
Variant type: single nucleotide variant.
Coding change: c.2629G>T on transcript NM_000170.3 (MANE Select); coding-DNA position 2629, G replaced by T.
Protein change: p.Glu877Ter; replaces glutamic acid 877 with a stop codon.
Molecular consequence: nonsense.
Genome position (GRCh38, 1-based): chr9:6,540,087, C>A on the plus strand (G>T on the coding strand, the complement: GLDC is on the minus strand). VCF-style: chr9-6540087-C-A. GRCh37 (hg19) VCF-style: chr9-6540087-C-A.
Other names: short protein forms E877*.
Identifiers: ClinVar variation 983747 (VCV000983747.8), dbSNP rs765893483, ClinGen allele CA4980131.
Genomic context (GRCh38, chr9:6,540,087, plus strand): 5'-GCATGAATGTCAAAAGCCACTTACCATAATCCTGGAGTCTCTTGGCCACATCCACAGCCT[C>A]AATATTTGCAGACTTTTTGAAGGGTCTCGTGTCCAAAATAAATTCATGACCCACATAACC-3'

ClinVar aggregate classification (germline): Pathogenic/Likely pathogenic. Review status: criteria provided, multiple submitters, no conflicts (2 of 4 stars). 2 submissions from 2 submitters: Pathogenic (1); Likely pathogenic (1). Last evaluated 2022-09-09.

Conditions:
Glycine encephalopathy. Also called: Non-ketotic hyperglycinemia; Nonketotic hyperglycinemia. Identifiers: Orphanet 407, MedGen C0751748, MONDO:0011612, HP:0008288.

gnomAD v4.1: 8 of 1,613,318 alleles (0.0005%); highest among the groups gnomAD compares: Non-Finnish European, 0.00068%; no homozygotes.

Submissions (2):

Labcorp Genetics (formerly Invitae), Labcorp
Classification: Pathogenic for Glycine encephalopathy. Last evaluated: 2022-09-09. Review status: criteria provided, single submitter. Criteria: Invitae Variant Classification Sherloc (09022015). Collection method: clinical testing. Allele origin: germline.
Comment: For these reasons, this variant has been classified as Pathogenic. ClinVar contains an entry for this variant (Variation ID: 983747). This premature translational stop signal has been observed in individual(s) with nonketotic hyperglycinemia (PMID: 27362913). This variant is present in population databases (rs765893483, gnomAD 0.0009%). This sequence change creates a premature translational stop signal (p.Glu877*) in the GLDC gene. It is expected to result in an absent or disrupted protein product. Loss-of-function variants in GLDC are known to be pathogenic (PMID: 16601880).

Myriad Genetics, Inc.
Classification: Likely pathogenic for Glycine encephalopathy 1. Last evaluated: 2019-06-30. Review status: criteria provided, single submitter. Criteria: Myriad Women's Health Autosomal Recessive and X-Linked Classification Criteria (2019). Collection method: clinical testing. Allele origin: unknown.
Comment: NM_000170.2(GLDC):c.2629G>T(E877*) is expected to be pathogenic in the context of GLDC-related glycine encephalopathy. This variant is predicted to lead to an abnormal or absent protein product due to the creation of a premature termination codon in GLDC, a gene where loss-of-function variants are known to be pathogenic. Please note: this variant was assessed in the context of healthy population screening.

Literature cited by the submitters: PubMed 27362913 (cited by Labcorp Genetics (formerly Invitae), Labcorp); PubMed 16601880 (cited by Labcorp Genetics (formerly Invitae), Labcorp).